The following is an entry in ClinVar:

ClinVar aggregate classification (germline): Uncertain significance. Review status: criteria provided, multiple submitters, no conflicts (2 of 4 stars). 2 submissions from 2 submitters: Uncertain significance (2). Last evaluated 2026-01-25.

Conditions:
Inborn genetic diseases. Identifiers: MedGen C0950123, MeSH D030342.

gnomAD v4.1: 4 of 1,614,120 alleles (0.00025%); highest among the groups gnomAD compares: African/African-American, 0.0013%; no homozygotes.

Submissions (2):

Ambry Genetics
Classification: Uncertain significance for Inborn genetic diseases. Last evaluated: 2026-01-25. Review status: criteria provided, single submitter. Criteria: Ambry Variant Classification Scheme 2023. Collection method: clinical testing. Allele origin: germline.

Labcorp Genetics (formerly Invitae), Labcorp
Classification: Uncertain significance. Last evaluated: 2024-11-05. Review status: criteria provided, single submitter. Criteria: Invitae Variant Classification Sherloc (09022015). Collection method: clinical testing. Allele origin: germline.
Comment: This sequence change replaces aspartic acid, which is acidic and polar, with tyrosine, which is neutral and polar, at codon 2284 of the KMT2A protein (p.Asp2284Tyr). This variant is not present in population databases (gnomAD no frequency). This variant has not been reported in the literature in individuals affected with KMT2A-related conditions. Invitae Evidence Modeling of protein sequence and biophysical properties (such as structural, functional, and spatial information, amino acid conservation, physicochemical variation, residue mobility, and thermodynamic stability) indicates that this missense variant is not expected to disrupt KMT2A protein function with a negative predictive value of 95%. In summary, the available evidence is currently insufficient to determine the role of this variant in disease. Therefore, it has been classified as a Variant of Uncertain Significance.

NM_001197104.2(KMT2A):c.6850G>T (p.Asp2284Tyr)

Gene: KMT2A (lysine methyltransferase 2A; plus strand). Cytogenetic location: 11q23.3.
Variant type: single nucleotide variant.
Coding change: c.6850G>T on transcript NM_001197104.2 (MANE Select); coding-DNA position 6850, G replaced by T.
Protein change: p.Asp2284Tyr; replaces aspartic acid 2284 with tyrosine.
Molecular consequence: missense variant.
Genome position (GRCh38, 1-based): chr11:118,502,742, G>T. VCF-style: chr11-118502742-G-T. GRCh37 (hg19) VCF-style: chr11-118373457-G-T.
Other names: c.6940G>T, p.Asp2314Tyr (NM_001412597.1); c.6841G>T, p.Asp2281Tyr (NM_005933.4); short protein forms D2314Y, D2284Y, D2281Y.
Identifiers: ClinVar variation 3717043 (VCV003717043.3).